The following is an entry in ClinVar:

NM_000368.5(TSC1):c.694G>C (p.Glu232Gln)

Gene: TSC1 (TSC complex subunit 1; minus strand). Cytogenetic location: 9q34.13.
Variant type: single nucleotide variant.
Coding change: c.694G>C on transcript NM_000368.5 (MANE Select); coding-DNA position 694, G replaced by C.
Protein change: p.Glu232Gln; replaces glutamic acid 232 with glutamine.
Molecular consequence: missense variant.
Genome position (GRCh38, 1-based): chr9:132,921,406, C>G on the plus strand (G>C on the coding strand, the complement: TSC1 is on the minus strand). VCF-style: chr9-132921406-C-G. GRCh37 (hg19) VCF-style: chr9-135796793-C-G.
Other names: c.694G>C, p.Glu232Gln (NM_001162426.2, NM_001406592.1, NM_001406593.1 and 16 more transcripts); c.541G>C, p.Glu181Gln (NM_001162427.2, NM_001406610.1, NM_001406611.1 and 2 more transcripts); c.331G>C, p.Glu111Gln (NM_001362177.2, NM_001406614.1, NM_001406625.1 and 10 more transcripts); c.-400G>C (NM_001406630.1); short protein forms E181Q, E111Q, E232Q.
Identifiers: ClinVar variation 2012032 (VCV002012032.4), dbSNP rs118203429, ClinGen allele CA375371395.
Genomic context (GRCh38, chr9:132,921,406, plus strand): 5'-GACACTAGTTTCTATACCTTCGAGGGTCCAGTTCATGGTCCTTGGATCCAGTCACTAATT[C>G]CGGATGAATTCGCACATGCTCCATCATTGGCTAGAAGAGTTGGGTTGACAAATTATAAAG-3'
Protein context (NP_000359.1, residues 222-242): PMMEHVRIHP[Glu232Gln]LVTGSKDHEL

ClinVar aggregate classification (germline): Uncertain significance (1 of 4 stars; one submission).

Conditions:
Tuberous sclerosis 1 (TSC1). Identifiers: Orphanet 805, MedGen C1854465, MONDO:0008612, OMIM 191100.

Submission:

Labcorp Genetics (formerly Invitae), Labcorp
Classification: Uncertain significance for Tuberous sclerosis 1. Last evaluated: 2022-06-29. Review status: criteria provided, single submitter. Criteria: Invitae Variant Classification Sherloc (09022015). Collection method: clinical testing. Allele origin: germline.
Comment: This variant is not present in population databases (gnomAD no frequency). This variant has not been reported in the literature in individuals affected with TSC1-related conditions. Algorithms developed to predict the effect of missense changes on protein structure and function are either unavailable or do not agree on the potential impact of this missense change (SIFT: "Tolerated"; PolyPhen-2: "Probably Damaging"; Align-GVGD: "Class C0"). This sequence change replaces glutamic acid, which is acidic and polar, with glutamine, which is neutral and polar, at codon 232 of the TSC1 protein (p.Glu232Gln). In summary, the available evidence is currently insufficient to determine the role of this variant in disease. Therefore, it has been classified as a Variant of Uncertain Significance.